The following is an entry in ClinVar:

NM_024675.4(PALB2):c.135G>C (p.Lys45Asn)

Gene: PALB2 (partner and localizer of BRCA2; minus strand). Cytogenetic location: 16p12.2.
Variant type: single nucleotide variant.
Coding change: c.135G>C on transcript NM_024675.4 (MANE Select); coding-DNA position 135, G replaced by C.
Protein change: p.Lys45Asn; replaces lysine 45 with asparagine.
Molecular consequence: missense variant.
Genome position (GRCh38, 1-based): chr16:23,637,926, C>G on the plus strand (G>C on the coding strand, the complement: PALB2 is on the minus strand). VCF-style: chr16-23637926-C-G. GRCh37 (hg19) VCF-style: chr16-23649247-C-G.
Other names: short protein forms K45N.
Identifiers: ClinVar variation 951617 (VCV000951617.9), dbSNP rs753270291, ClinGen allele CA395139342.

ClinVar aggregate classification (germline): Conflicting classifications of pathogenicity. Review status: criteria provided, conflicting classifications (1 of 4 stars). 2 submissions from 2 submitters: Uncertain significance (1); Likely benign (1). Last evaluated 2026-06-02.

Conditions:
Hereditary cancer-predisposing syndrome. Also called: Hereditary Cancer Syndrome; Neoplastic Syndromes, Hereditary; Tumor predisposition; Hereditary neoplastic syndrome. Identifiers: Orphanet 140162, MedGen C0027672, MeSH D009386, MONDO:0015356.
Familial cancer of breast. Also called: BREAST CANCER, FAMILIAL; Hereditary breast cancer; hereditary breast carcinoma. Identifiers: Orphanet 227535, MedGen C0346153, MONDO:0016419, OMIM 114480. Disease mechanism: loss of function.

Allele frequency attached by ClinVar (database versions not stated): TOPMed below 0.00001.

Submissions (2):

Ambry Genetics
Classification: Likely benign for Hereditary cancer-predisposing syndrome. Last evaluated: 2026-06-02. Review status: criteria provided, single submitter. Criteria: Ambry Variant Classification Scheme 2023. Collection method: clinical testing. Allele origin: germline.

Labcorp Genetics (formerly Invitae), Labcorp
Classification: Uncertain significance for Familial cancer of breast. Last evaluated: 2022-08-16. Review status: criteria provided, single submitter. Criteria: Invitae Variant Classification Sherloc (09022015). Collection method: clinical testing. Allele origin: germline.
Comment: In summary, the available evidence is currently insufficient to determine the role of this variant in disease. Therefore, it has been classified as a Variant of Uncertain Significance. Algorithms developed to predict the effect of missense changes on protein structure and function are either unavailable or do not agree on the potential impact of this missense change (SIFT: "Tolerated"; PolyPhen-2: "Probably Damaging"; Align-GVGD: "Class C0"). ClinVar contains an entry for this variant (Variation ID: 951617). This variant has not been reported in the literature in individuals affected with PALB2-related conditions. This variant is not present in population databases (gnomAD no frequency). This sequence change replaces lysine, which is basic and polar, with asparagine, which is neutral and polar, at codon 45 of the PALB2 protein (p.Lys45Asn).